The following is an entry in ClinVar:

NM_172107.4(KCNQ2):c.629G>C (p.Arg210Pro)

Gene: KCNQ2 (potassium voltage-gated channel subfamily Q member 2; minus strand). Cytogenetic location: 20q13.33.
Variant type: single nucleotide variant.
Coding change: c.629G>C on transcript NM_172107.4 (MANE Select); coding-DNA position 629, G replaced by C.
Protein change: p.Arg210Pro; replaces arginine 210 with proline.
Molecular consequence: missense variant.
Genome position (GRCh38, 1-based): chr20:63,444,720, C>G on the plus strand (G>C on the coding strand, the complement: KCNQ2 is on the minus strand). VCF-style: chr20-63444720-C-G. GRCh37 (hg19) VCF-style: chr20-62076073-C-G.
Other names: c.629G>C, p.Arg210Pro (NM_004518.6, NM_172106.3, NM_172108.5 and 1 more transcripts); short protein forms R210P.
Identifiers: ClinVar variation 280614 (VCV000280614.13), dbSNP rs886041262, ClinGen allele CA10603678.

ClinVar aggregate classification (germline): Pathogenic/Likely pathogenic. Review status: criteria provided, multiple submitters, no conflicts (2 of 4 stars). 5 submissions from 5 submitters: Pathogenic (4); Likely pathogenic (1). Last evaluated 2023-10-30.

Conditions:
Early-infantile DEE. Also called: Ohtahara syndrome; Early infantile epileptic encephalopathy; Early infantile epileptic encephalopathy with suppression bursts. Identifiers: Orphanet 1934, MedGen C0393706, MONDO:0800491.
Developmental and epileptic encephalopathy, 7 (DEE7). Also called: Early infantile epileptic encephalopathy 7; KCNQ2-Related Neonatal Epileptic Encephalopathy; KCNQ2-Related Neonatal-Onset Developmental and Epileptic Encephalopathy (NEO-DEE). Identifiers: Orphanet 439218, MedGen C3150986, MONDO:0013387, OMIM 613720.

Submissions (5):

Revvity Omics, Revvity
Classification: Pathogenic. Last evaluated: 2023-10-30. Review status: criteria provided, single submitter. Criteria: ACMG Guidelines, 2015. Collection method: clinical testing. Allele origin: germline.

Labcorp Genetics (formerly Invitae), Labcorp
Classification: Likely pathogenic for Early-infantile DEE. Last evaluated: 2022-08-09. Review status: criteria provided, single submitter. Criteria: Invitae Variant Classification Sherloc (09022015). Collection method: clinical testing. Allele origin: germline.
Comment: In summary, the currently available evidence indicates that the variant is pathogenic, but additional data are needed to prove that conclusively. Therefore, this variant has been classified as Likely Pathogenic. This variant disrupts the p.Arg210 amino acid residue in KCNQ2. Other variant(s) that disrupt this residue have been determined to be pathogenic (PMID: 24107868, 24371303, 25880994, 26446091, 28283543). This suggests that this residue is clinically significant, and that variants that disrupt this residue are likely to be disease-causing. Advanced modeling of protein sequence and biophysical properties (such as structural, functional, and spatial information, amino acid conservation, physicochemical variation, residue mobility, and thermodynamic stability) performed at Invitae indicates that this missense variant is expected to disrupt KCNQ2 protein function. ClinVar contains an entry for this variant (Variation ID: 280614). This variant has not been reported in the literature in individuals affected with KCNQ2-related conditions. This variant is not present in population databases (gnomAD no frequency). This sequence change replaces arginine, which is basic and polar, with proline, which is neutral and non-polar, at codon 210 of the KCNQ2 protein (p.Arg210Pro).

Genetic Services Laboratory, University of Chicago
Classification: Pathogenic. Last evaluated: 2018-05-25. Review status: criteria provided, single submitter. Criteria: ACMG Guidelines, 2015. Collection method: clinical testing. Allele origin: germline. Affected: yes.

HudsonAlpha Institute for Biotechnology
Classification: Pathogenic for Developmental and epileptic encephalopathy, 7. Last evaluated: 2017-03-09. Review status: criteria provided, single submitter. Criteria: HA_assertions_20161101. Collection method: research. Allele origin: de novo. Affected: yes. Observed: 1 variant allele. Study: CSER-HudsonAlpha.

GeneDx
Classification: Pathogenic. Last evaluated: 2016-12-27. Review status: criteria provided, single submitter. Criteria: GeneDx Variant Classification (06012015). Collection method: clinical testing. Allele origin: germline. Affected: yes.
Comment: The R210P variant has not been published as a pathogenic variant, nor has it been reported as a benign variant to our knowledge. However, different missense variants at the same position (R210C, R210H) have been reported previously in association with KCNQ2-related disorders (Stenson et al., 2014). The R210P variant was not observed in approximately 6,500 individuals of European and African American ancestry in the NHLBI Exome Sequencing Project, indicating it is not a common benign variant in these populations. The R210P variant is a non-conservative amino acid substitution, which is likely to impact secondary protein structure as these residues differ in polarity, charge, size and/or other properties. This substitution occurs at a conserved position predicted to be within the voltage-sensor transmembrane segment S4 of the protein, and multiple missense variants in nearby residues have been reported in the Human Gene Mutation Database in association with KCNQ2-related disorders (Stenson et al., 2014), supporting the functional importance of this region of the protein. Therefore, the R210P variant is considered to be a pathogenic variant

Literature cited by the submitters: PubMed 24107868 (cited by Labcorp Genetics (formerly Invitae), Labcorp); PubMed 24371303 (cited by Labcorp Genetics (formerly Invitae), Labcorp); PubMed 25880994 (cited by Labcorp Genetics (formerly Invitae), Labcorp); PubMed 26446091 (cited by Labcorp Genetics (formerly Invitae), Labcorp); PubMed 28283543 (cited by Labcorp Genetics (formerly Invitae), Labcorp).